The following is an entry in ClinVar:

NM_015559.3(SETBP1):c.1022A>G (p.Asp341Gly)

Gene: SETBP1 (SET binding protein 1; plus strand). Cytogenetic location: 18q12.3.
Variant type: single nucleotide variant.
Coding change: c.1022A>G on transcript NM_015559.3 (MANE Select); coding-DNA position 1022, A replaced by G.
Protein change: p.Asp341Gly; replaces aspartic acid 341 with glycine.
Molecular consequence: missense variant.
Genome position (GRCh38, 1-based): chr18:44,950,362, A>G. VCF-style: chr18-44950362-A-G. GRCh37 (hg19) VCF-style: chr18-42530327-A-G.
Other names: c.1022A>G, p.Asp341Gly (NM_001379141.1, NM_001379142.1, NM_001410862.1); short protein forms D341G.
Identifiers: ClinVar variation 3704653 (VCV003704653.2).

ClinVar aggregate classification (germline): Uncertain significance (1 of 4 stars; one submission).

gnomAD v4.1: 4 of 1,614,142 alleles (0.00025%); highest among the groups gnomAD compares: Non-Finnish European, 0.00034%; no homozygotes.

Submission:

Labcorp Genetics (formerly Invitae), Labcorp
Classification: Uncertain significance. Last evaluated: 2024-10-10. Review status: criteria provided, single submitter. Criteria: Invitae Variant Classification Sherloc (09022015). Collection method: clinical testing. Allele origin: germline.
Comment: This sequence change replaces aspartic acid, which is acidic and polar, with glycine, which is neutral and non-polar, at codon 341 of the SETBP1 protein (p.Asp341Gly). This variant is not present in population databases (gnomAD no frequency). This variant has not been reported in the literature in individuals affected with SETBP1-related conditions. Invitae Evidence Modeling of protein sequence and biophysical properties (such as structural, functional, and spatial information, amino acid conservation, physicochemical variation, residue mobility, and thermodynamic stability) indicates that this missense variant is not expected to disrupt SETBP1 protein function with a negative predictive value of 80%. In summary, the available evidence is currently insufficient to determine the role of this variant in disease. Therefore, it has been classified as a Variant of Uncertain Significance.